The following is an entry in ClinVar:

NM_017827.4(SARS2):c.760-267C>G

Gene: SARS2 (seryl-tRNA synthetase 2, mitochondrial; minus strand). Cytogenetic location: 19q13.2.
Variant type: single nucleotide variant.
Coding change: c.760-267C>G on transcript NM_017827.4 (MANE Select); 267 bases into the intron before coding-DNA position 760, C replaced by G.
Molecular consequence: intron variant.
Genome position (GRCh38, 1-based): chr19:38,919,080, G>C on the plus strand (C>G on the coding strand, the complement: SARS2 is on the minus strand). VCF-style: chr19-38919080-G-C. GRCh37 (hg19) VCF-style: chr19-39409720-G-C.
Other names: c.766-267C>G (NM_001145901.2).
Identifiers: ClinVar variation 673249 (VCV000673249.1), dbSNP rs73541506, ClinGen allele CA308143205.

ClinVar aggregate classification (germline): Likely benign (1 of 4 stars; one submission).

Allele frequency attached by ClinVar (database versions not stated): 1000 Genomes Project 0.01298; gnomAD 0.01379 and 0.01474; 1000 Genomes Project 30x 0.01437; TOPMed 0.01554.

Submission:

GeneDx
Classification: Likely benign. Last evaluated: 2018-06-14. Review status: criteria provided, single submitter. Criteria: GeneDx Variant Classification (06012015). Collection method: clinical testing. Allele origin: germline. Affected: yes.
Comment: This variant is considered likely benign or benign based on one or more of the following criteria: it is a conservative change, it occurs at a poorly conserved position in the protein, it is predicted to be benign by multiple in silico algorithms, and/or has population frequency not consistent with disease.